The following is an entry in ClinVar:

ClinVar aggregate classification (germline): Uncertain significance. Review status: criteria provided, multiple submitters, no conflicts (2 of 4 stars). 6 submissions from 6 submitters: Uncertain significance (6). Last evaluated 2025-11-24.

Conditions:
Hereditary cancer-predisposing syndrome. Also called: Hereditary neoplastic syndrome; Tumor predisposition; Neoplastic Syndromes, Hereditary; Hereditary Cancer Syndrome. Identifiers: Orphanet 140162, MedGen C0027672, MeSH D009386, MONDO:0015356.
Hirschsprung disease, susceptibility to, 1 (HSCR1). Also called: RET-Related Hirschsprung Disease. Identifiers: Orphanet 388, MedGen C3888239, MONDO:0007723, OMIM 142623.
Multiple endocrine neoplasia, type 2 (MEN2). Identifiers: Orphanet 653, MedGen C4048306, MONDO:0019003. Disease mechanism: gain of function.

Allele frequency attached by ClinVar (database versions not stated): gnomAD exomes below 0.00001; gnomAD 0.00001.
gnomAD v4.1: 2 of 1,613,990 alleles (0.00012%); highest among the groups gnomAD compares: Non-Finnish European, 0.00017%; no homozygotes.

Submissions (6):

Labcorp Genetics (formerly Invitae), Labcorp
Classification: Uncertain significance for Multiple endocrine neoplasia, type 2. Last evaluated: 2025-11-24. Review status: criteria provided, single submitter. Criteria: Invitae Variant Classification Sherloc (09022015). Collection method: clinical testing. Allele origin: germline.
Comment: This sequence change replaces asparagine, which is neutral and polar, with aspartic acid, which is acidic and polar, at codon 151 of the RET protein (p.Asn151Asp). This variant is not present in population databases (gnomAD no frequency). This variant has not been reported in the literature in individuals affected with RET-related conditions. ClinVar contains an entry for this variant (Variation ID: 1502247). An algorithm developed to predict the effect of missense changes on protein structure and function (PolyPhen-2) suggests that this variant is likely to be tolerated. In summary, the available evidence is currently insufficient to determine the role of this variant in disease. Therefore, it has been classified as a Variant of Uncertain Significance.

Ambry Genetics
Classification: Uncertain significance for Hereditary cancer-predisposing syndrome. Last evaluated: 2025-09-26. Review status: criteria provided, single submitter. Criteria: Ambry Variant Classification Scheme 2023. Collection method: clinical testing. Allele origin: germline.
Comment: The p.N151D variant (also known as c.451A>G), located in coding exon 3 of the RET gene, results from an A to G substitution at nucleotide position 451. The asparagine at codon 151 is replaced by aspartic acid, an amino acid with highly similar properties. This amino acid position is highly conserved in available vertebrate species. In addition, the in silico prediction for this alteration is inconclusive. Since supporting evidence is limited at this time, the clinical significance of this alteration remains unclear.

Color Diagnostics, LLC DBA Color Health
Classification: Uncertain significance for Multiple endocrine neoplasia, type 2. Last evaluated: 2025-07-08. Review status: criteria provided, single submitter. Criteria: ACMG Guidelines, 2015. Collection method: clinical testing. Allele origin: germline.
Comment: This missense variant replaces asparagine with aspartic acid at codon 151 of the RET protein. Computational prediction suggests that this variant may not impact protein structure and function. To our knowledge, functional studies have not been reported for this variant. This variant has not been reported in individuals affected with RET-related disorders in the literature. This variant has not been identified in the general population by the Genome Aggregation Database (gnomAD). The available evidence is insufficient to determine the role of this variant in disease conclusively. Therefore, this variant is classified as a Variant of Uncertain Significance.

All of Us Research Program, National Institutes of Health
Classification: Uncertain significance for Multiple endocrine neoplasia, type 2. Last evaluated: 2023-06-08. Review status: criteria provided, single submitter. Criteria: ACMG Guidelines, 2015. Collection method: clinical testing. Allele origin: germline. Inheritance: Autosomal dominant inheritance. Observed: 1 variant allele, 1 heterozygote.
Comment: This missense variant replaces asparagine with aspartic acid at codon 151 of the RET protein. Computational prediction suggests that this variant may not impact protein structure and function (internally defined REVEL score threshold <= 0.5, PMID: 27666373). To our knowledge, functional studies have not been reported for this variant. This variant has not been reported in individuals affected with RET-related disorders in the literature. This variant has not been identified in the general population by the Genome Aggregation Database (gnomAD). The available evidence is insufficient to determine the role of this variant in disease conclusively. Therefore, this variant is classified as a Variant of Uncertain Significance.

This study involves interpretation of variants in research participants for the purpose of population health screening. Participant phenotype was not available at the time of variant classification. Additional details can be found in publication PMID: 35346344, PMCID: PMC8962531

Baylor Genetics
Classification: Uncertain significance for Hirschsprung disease, susceptibility to, 1. Last evaluated: 2023-05-30. Review status: criteria provided, single submitter. Criteria: ACMG Guidelines, 2015. Collection method: clinical testing. Allele origin: unknown.

GeneDx
Classification: Uncertain significance. Last evaluated: 2023-03-14. Review status: criteria provided, single submitter. Criteria: GeneDx Variant Classification Process June 2021. Collection method: clinical testing. Allele origin: germline. Affected: yes.
Comment: Not observed at significant frequency in large population cohorts (gnomAD); In silico analysis supports that this missense variant does not alter protein structure/function; Has not been previously published as pathogenic or benign to our knowledge; This variant is associated with the following publications: (PMID: 14633923)

NM_020975.6(RET):c.451A>G (p.Asn151Asp)

Gene: RET (ret proto-oncogene; plus strand). Cytogenetic location: 10q11.21.
Variant type: single nucleotide variant.
Coding change: c.451A>G on transcript NM_020975.6 (MANE Select); coding-DNA position 451, A replaced by G.
Protein change: p.Asn151Asp; replaces asparagine 151 with aspartic acid.
Molecular consequence: missense variant.
Genome position (GRCh38, 1-based): chr10:43,102,455, A>G. VCF-style: chr10-43102455-A-G. GRCh37 (hg19) VCF-style: chr10-43597903-A-G.
Other names: c.451A>G, p.Asn151Asp (NM_000323.2, NM_001406743.1, NM_001406744.1 and 16 more transcripts); short protein forms N151D.
Identifiers: ClinVar variation 1502247 (VCV001502247.14), dbSNP rs1837661067, ClinGen allele CA376770859.